The following is an entry in ClinVar:

NM_000452.3(SLC10A2):c.379G>A (p.Val127Ile)

Gene: SLC10A2 (solute carrier family 10 member 2; minus strand). Cytogenetic location: 13q33.1.
Variant type: single nucleotide variant.
Coding change: c.379G>A on transcript NM_000452.3 (MANE Select); coding-DNA position 379, G replaced by A.
Protein change: p.Val127Ile; replaces valine 127 with isoleucine.
Molecular consequence: missense variant.
Genome position (GRCh38, 1-based): chr13:103,058,381, C>T on the plus strand (G>A on the coding strand, the complement: SLC10A2 is on the minus strand). VCF-style: chr13-103058381-C-T. GRCh37 (hg19) VCF-style: chr13-103710731-C-T.
Other names: p.Val127Ile; c.379G>A (NM_000452.2); short protein forms V127I.
Identifiers: ClinVar variation 594346 (VCV000594346.11), dbSNP rs150843319, ClinGen allele CA7042244.

ClinVar aggregate classification (germline): Uncertain significance. Review status: criteria provided, multiple submitters, no conflicts (2 of 4 stars). 4 submissions from 4 submitters: Uncertain significance (3). 1 of the submissions does not count toward it. Last evaluated 2025-07-02.

Conditions:
SLC10A2-related disorder. Also called: SLC10A2-related condition.

Allele frequency attached by ClinVar (database versions not stated): ESP Exome Variant Server 0.00008; ExAC 0.00014; TOPMed 0.00019; 1000 Genomes Project 0.00020; gnomAD 0.00022; 1000 Genomes Project 30x 0.00031.
gnomAD v4.1: 115 of 1,590,888 alleles (0.0072%); highest among the groups gnomAD compares: Admixed American, 0.07%; 1 homozygote.

Submissions (4):

Mayo Clinic Laboratories, Mayo Clinic
Classification: Uncertain significance. Last evaluated: 2025-07-02. Review status: criteria provided, single submitter. Criteria: ACMG Guidelines, 2015. Collection method: clinical testing. Allele origin: germline. Observed: 1 variant allele.
Comment: BP4_moderate

Labcorp Genetics (formerly Invitae), Labcorp
Classification: Uncertain significance. Last evaluated: 2025-06-22. Review status: criteria provided, single submitter. Criteria: Invitae Variant Classification Sherloc (09022015). Collection method: clinical testing. Allele origin: germline.
Comment: This sequence change replaces valine, which is neutral and non-polar, with isoleucine, which is neutral and non-polar, at codon 127 of the SLC10A2 protein (p.Val127Ile). This variant is present in population databases (rs150843319, gnomAD 0.07%), and has an allele count higher than expected for a pathogenic variant. This variant has not been reported in the literature in individuals affected with SLC10A2-related conditions. ClinVar contains an entry for this variant (Variation ID: 594346). An algorithm developed to predict the effect of missense changes on protein structure and function outputs the following: PolyPhen-2: "Benign". The isoleucine amino acid residue is found in multiple mammalian species, which suggests that this missense change does not adversely affect protein function. In summary, the available evidence is currently insufficient to determine the role of this variant in disease. Therefore, it has been classified as a Variant of Uncertain Significance.

Eurofins Ntd Llc (ga)
Classification: Uncertain significance. Last evaluated: 2017-10-02. Review status: criteria provided, single submitter. Criteria: EGL Classification Definitions 2015. Collection method: clinical testing. Allele origin: germline. Observed: 3 variant alleles, 3 heterozygotes.

PreventionGenetics, part of Exact Sciences
Classification: Uncertain significance for SLC10A2-related condition. Last evaluated: 2024-08-21. Review status: no assertion criteria provided. Collection method: clinical testing. Allele origin: germline. Not counted in ClinVar's aggregate classification.
Comment: The SLC10A2 c.379G>A variant is predicted to result in the amino acid substitution p.Val127Ile. To our knowledge, this variant has not been reported in the literature. This variant is reported in 0.073% of alleles in individuals of Latino descent in gnomAD. Although we suspect that this variant may be benign, at this time, the clinical significance of this variant is uncertain due to the absence of conclusive functional and genetic evidence.